The following is an entry in ClinVar:

ClinVar aggregate classification (germline): Uncertain significance (1 of 4 stars; one submission).

Allele frequency attached by ClinVar (database versions not stated): ExAC 0.00001.

Submission:

CeGaT Center for Human Genetics Tuebingen
Classification: Uncertain significance. Last evaluated: 2022-08-01. Review status: criteria provided, single submitter. Criteria: CeGaT Center For Human Genetics Tuebingen Variant Classification Criteria Version 2. Collection method: clinical testing. Allele origin: germline. Affected: yes. Observed: 1 variant allele.
Comment: RYR2: PM2, PP3

NM_001035.3(RYR2):c.9508T>A (p.Phe3170Ile)

Gene: RYR2 (ryanodine receptor 2; plus strand). Cytogenetic location: 1q43.
Variant type: single nucleotide variant.
Coding change: c.9508T>A on transcript NM_001035.3 (MANE Select); coding-DNA position 9508, T replaced by A.
Protein change: p.Phe3170Ile; replaces phenylalanine 3170 with isoleucine.
Molecular consequence: missense variant.
Genome position (GRCh38, 1-based): chr1:237,705,271, T>A. VCF-style: chr1-237705271-T-A. GRCh37 (hg19) VCF-style: chr1-237868571-T-A.
Other names: short protein forms F3170I.
Identifiers: ClinVar variation 2640122 (VCV002640122.24), dbSNP rs771377754, ClinGen allele CA076878.